The following is an entry in ClinVar:

ClinVar aggregate classification (germline): Uncertain significance. Review status: criteria provided, multiple submitters, no conflicts (2 of 4 stars). 3 submissions from 3 submitters: Uncertain significance (3). Last evaluated 2025-05-22.

Conditions:
Hypertrophic cardiomyopathy 9. Also called: Familial hypertrophic cardiomyopathy 9. Identifiers: MedGen C1861065, MONDO:0013412, OMIM 613765.
TTN-related disorder. Also called: TTN-related disorders; TTN-related condition; TTN-related disease.
Cardiovascular phenotype. Identifiers: MedGen CN230736.

Allele frequency attached by ClinVar (database versions not stated): gnomAD exomes below 0.00001; ExAC 0.00002; gnomAD 0.00004; TOPMed 0.00004.
gnomAD v4.1: 12 of 1,612,436 alleles (0.00074%); highest among the groups gnomAD compares: African/African-American, 0.013%; no homozygotes.

Submissions (3):

PreventionGenetics, part of Exact Sciences
Classification: Uncertain significance for TTN-related condition. Last evaluated: 2025-05-22. Review status: criteria provided, single submitter. Criteria: ACMG Guidelines, 2015. Collection method: clinical testing. Allele origin: germline.
Comment: The TTN c.69715T>C variant is predicted to result in the amino acid substitution p.Tyr23239His. To our knowledge, this variant has not been reported in the literature. This variant is reported in 0.017% of alleles in individuals of African descent in gnomAD. At this time, the clinical significance of this variant is uncertain due to the absence of conclusive functional and genetic evidence.

Victorian Clinical Genetics Services, Murdoch Childrens Research Institute
Classification: Uncertain significance for Hypertrophic cardiomyopathy 9. Last evaluated: 2024-10-09. Review status: criteria provided, single submitter. Criteria: ACMG Guidelines, 2015. Collection method: clinical testing. Allele origin: germline. Inheritance: Autosomal dominant inheritance. Affected: yes.
Comment: Based on the classification scheme VCGS_Germline_v1.3.4, this variant is classified as VUS-3B. Following criteria are met: 0102 - Loss of function is known mechanism of disease in this gene. In addition, dominant-negative is also a suggested mechanism. (PMID: 25589632). (I) 0108 - This gene is associated with both recessive and dominant disease (OMIM). (I) 0112 - The condition associated with this gene has incomplete penetrance. Variants in this gene that result in a premature termination codon (PTC) are known to have reduced penetrance in DCM (PMID: 25589632). (I) 0212 - Non-canonical splice site variant without proven consequence on splicing (no functional evidence available). Affects the last nucleotide of the exon. (SP) 0251 - This variant is heterozygous. (I) 0304 - Variant is present in gnomAD (v3) <0.01 (6 heterozygotes). (SP) 0309 - An alternative amino acid change at the same position has been observed in gnomAD (v3) (1 heterozygote). (I) 0508 - In silico predictions for abnormal splicing are conflicting. In silico predictions for abnormal splicing are conflicting. Conflicting silico predictions and uninformative conservation were also identified for this missense variant. (I) 0604 - Variant is not located in an established domain, motif, hotspot or informative constraint region. (I) 0705 - No comparable noncanonical splice variants have previous evidence for pathogenicity. (I) 0809 - Previous evidence of pathogenicity for this variant is inconclusive. Reported as VUS in ClinVar, is otherwise not reported. (I) 0905 - No published segregation evidence has been identified for this variant. (I) 1007 - No published functional evidence has been identified for this variant. (I) 1208 - Inheritance information for this variant is not currently available in this individual. (I) Legend: (SP) - Supporting pathogenic, (I) - Information, (SB) - Supporting benign

Ambry Genetics
Classification: Uncertain significance for Cardiovascular phenotype. Last evaluated: 2020-01-17. Review status: criteria provided, single submitter. Criteria: Ambry Variant Classification Scheme 2023. Collection method: clinical testing. Allele origin: germline.
Comment: The p.Y14174H variant (also known as c.42520T>C), located in coding exon 152 of the TTN gene, results from a T to C substitution at nucleotide position 42520. The amino acid change results in tyrosine to histidine at codon 14174, an amino acid with similar properties. This amino acid position is highly conserved in available vertebrate species. In addition, this alteration is predicted to be tolerated by in silico analysis. Since supporting evidence is limited at this time, the clinical significance of this alteration remains unclear.

Literature cited by the submitters: PubMed 25589632 (cited by Victorian Clinical Genetics Services, Murdoch Childrens Research Institute).

NM_001267550.2(TTN):c.69715T>C (p.Tyr23239His)

Genes: TTN-AS1 (TTN antisense RNA 1; plus strand), TTN (titin; minus strand), LOC126806422 (BRD4-independent group 4 enhancer GRCh37_chr2:179440205-179441404; plus strand). Cytogenetic location: 2q31.2.
Variant type: single nucleotide variant.
Coding change: c.69715T>C on transcript NM_001267550.2 (MANE Select); coding-DNA position 69715, T replaced by C.
Protein change: p.Tyr23239His; replaces tyrosine 23239 with histidine.
Molecular consequence: missense variant.
Genome position (GRCh38, 1-based): chr2:178,576,529, A>G on the plus strand (T>C on the coding strand, the complement: TTN is on the minus strand). VCF-style: chr2-178576529-A-G. GRCh37 (hg19) VCF-style: chr2-179441256-A-G.
Other names: c.64792T>C, p.Tyr21598His (NM_001256850.1); c.42520T>C, p.Tyr14174His (NM_003319.4); c.62011T>C, p.Tyr20671His (NM_133378.4); c.42895T>C, p.Tyr14299His (NM_133432.3); c.43096T>C, p.Tyr14366His (NM_133437.4); short protein forms Y14299H, Y21598H, Y23239H, Y14366H, Y20671H, Y14174H.
Identifiers: ClinVar variation 1739099 (VCV001739099.4), dbSNP rs776166293, ClinGen allele CA1990899.